The following is an entry in ClinVar:

ClinVar aggregate classification (germline): Uncertain significance (0 of 4 stars; one submission).

Conditions:
SETD2-related disorder.

gnomAD v4.1: 8 of 1,613,988 alleles (0.0005%); highest among the groups gnomAD compares: Admixed American, 0.0017%; no homozygotes.

Submission:

PreventionGenetics, part of Exact Sciences
Classification: Uncertain significance for SETD2-related condition. Last evaluated: 2024-05-01. Review status: no assertion criteria provided. Collection method: clinical testing. Allele origin: germline.
Comment: The SETD2 c.5750T>G variant is predicted to result in the amino acid substitution p.Val1917Gly. To our knowledge, this variant has not been reported in the literature. This variant is reported in 0.0035% of alleles in individuals of European (Non-Finnish) descent in gnomAD. At this time, the clinical significance of this variant is uncertain due to the absence of conclusive functional and genetic evidence.

NM_014159.7(SETD2):c.5750T>G (p.Val1917Gly)

Gene: SETD2 (SET domain containing 2, histone lysine methyltransferase; minus strand). Cytogenetic location: 3p21.31.
Variant type: single nucleotide variant.
Coding change: c.5750T>G on transcript NM_014159.7 (MANE Select); coding-DNA position 5750, T replaced by G.
Protein change: p.Val1917Gly; replaces valine 1917 with glycine.
Molecular consequence: missense variant. On other transcripts: non-coding transcript variant (1).
Genome position (GRCh38, 1-based): chr3:47,084,030, A>C on the plus strand (T>G on the coding strand, the complement: SETD2 is on the minus strand). VCF-style: chr3-47084030-A-C. GRCh37 (hg19) VCF-style: chr3-47125520-A-C.
Other names: c.5618T>G, p.Val1873Gly (NM_001349370.3); short protein forms V1873G, V1917G.
Identifiers: ClinVar variation 3356609 (VCV003356609.1).